The following is an entry in ClinVar:

ClinVar aggregate classification (germline): Uncertain significance (1 of 4 stars; one submission).

Conditions:
Cystic fibrosis (CF). Also called: MUCOVISCIDOSIS. Identifiers: Orphanet 586, MedGen C0010674, MONDO:0009061, OMIM 219700. Disease mechanism: loss of function.

Submission:

Ambry Genetics
Classification: Uncertain significance for Cystic fibrosis. Last evaluated: 2026-02-03. Review status: criteria provided, single submitter. Criteria: Ambry Variant Classification Scheme 2023. Collection method: clinical testing. Allele origin: germline.
Comment: The p.S519G variant (also known as c.1555A>G), located in coding exon 11 of the CFTR gene, results from an A to G substitution at nucleotide position 1555. The serine at codon 519 is replaced by glycine, an amino acid with similar properties. This amino acid position is highly conserved in available vertebrate species. In addition, the in silico prediction for this alteration is inconclusive. Based on the available evidence, the clinical significance of this variant remains unclear.

NM_000492.4(CFTR):c.1555A>G (p.Ser519Gly)

Genes: CFTR (CF transmembrane conductance regulator; plus strand), CFTR-AS1 (CFTR antisense RNA 1; minus strand). Cytogenetic location: 7q31.2.
Variant type: single nucleotide variant.
Coding change: c.1555A>G on transcript NM_000492.4 (MANE Select); coding-DNA position 1555, A replaced by G.
Protein change: p.Ser519Gly; replaces serine 519 with glycine.
Molecular consequence: missense variant.
Genome position (GRCh38, 1-based): chr7:117,559,626, A>G. VCF-style: chr7-117559626-A-G. GRCh37 (hg19) VCF-style: chr7-117199680-A-G.
Other names: short protein forms S519G.
Identifiers: ClinVar variation 4841331 (VCV004841331.1).